The following is an entry in ClinVar:

NM_000064.4(C3):c.1768G>A (p.Gly590Arg)

Gene: C3 (complement C3; minus strand). Cytogenetic location: 19p13.3.
Variant type: single nucleotide variant.
Coding change: c.1768G>A on transcript NM_000064.4 (MANE Select); coding-DNA position 1768, G replaced by A.
Protein change: p.Gly590Arg; replaces glycine 590 with arginine.
Molecular consequence: missense variant.
Genome position (GRCh38, 1-based): chr19:6,709,761, C>T on the plus strand (G>A on the coding strand, the complement: C3 is on the minus strand). VCF-style: chr19-6709761-C-T. GRCh37 (hg19) VCF-style: chr19-6709772-C-T.
Other names: short protein forms G590R.
Identifiers: ClinVar variation 1509124 (VCV001509124.8), dbSNP rs767902073, ClinGen allele CA9129338.

ClinVar aggregate classification (germline): Uncertain significance (1 of 4 stars; one submission).

Allele frequency attached by ClinVar (database versions not stated): gnomAD 0.00001; gnomAD exomes 0.00001; TOPMed 0.00001; ExAC 0.00002.
gnomAD v4.1: 9 of 1,613,926 alleles (0.00056%); highest among the groups gnomAD compares: Admixed American, 0.0033%; no homozygotes.

Submission:

Labcorp Genetics (formerly Invitae), Labcorp
Classification: Uncertain significance. Last evaluated: 2020-10-28. Review status: criteria provided, single submitter. Criteria: Invitae Variant Classification Sherloc (09022015). Collection method: clinical testing. Allele origin: germline.
Comment: This variant has not been reported in the literature in individuals with C3-related conditions. In summary, the available evidence is currently insufficient to determine the role of this variant in disease. Therefore, it has been classified as a Variant of Uncertain Significance. Algorithms developed to predict the effect of missense changes on protein structure and function are either unavailable or do not agree on the potential impact of this missense change (SIFT: "Deleterious"; PolyPhen-2: "Benign"; Align-GVGD: "Class C0"). This variant is present in population databases (rs767902073, ExAC 0.01%). This sequence change replaces glycine with arginine at codon 590 of the C3 protein (p.Gly590Arg). The glycine residue is highly conserved and there is a moderate physicochemical difference between glycine and arginine.